The following is an entry in ClinVar:

NM_201596.3(CACNB2):c.394G>T (p.Asp132Tyr)

Gene: CACNB2 (calcium voltage-gated channel auxiliary subunit beta 2; plus strand). Cytogenetic location: 10p12.31.
Variant type: single nucleotide variant.
Coding change: c.394G>T on transcript NM_201596.3 (MANE Select); coding-DNA position 394, G replaced by T.
Protein change: p.Asp132Tyr; replaces aspartic acid 132 with tyrosine.
Molecular consequence: missense variant.
Genome position (GRCh38, 1-based): chr10:18,498,415, G>T. VCF-style: chr10-18498415-G-T. GRCh37 (hg19) VCF-style: chr10-18787344-G-T.
Other names: c.229G>T, p.Asp77Tyr (NM_000724.4, NM_001330060.2); c.310G>T, p.Asp104Tyr (NM_001167945.2, NM_201571.4, NM_201572.4); c.250G>T, p.Asp84Tyr (NM_201570.3); c.232G>T, p.Asp78Tyr (NM_201590.3); c.394G>T, p.Asp132Tyr (NM_201593.3, NM_201597.3); short protein forms D132Y, D78Y, D77Y, D104Y, D84Y.
Identifiers: ClinVar variation 518827 (VCV000518827.15), dbSNP rs1317419789, ClinGen allele CA376056807.

ClinVar aggregate classification (germline): Uncertain significance. Review status: criteria provided, multiple submitters, no conflicts (2 of 4 stars). 2 submissions from 2 submitters: Uncertain significance (2). Last evaluated 2025-04-23.

Conditions:
Brugada syndrome 4 (BRGDA4). Identifiers: Orphanet 130, MedGen C2678477, MONDO:0012743, OMIM 611876.
Cardiovascular phenotype. Identifiers: MedGen CN230736.

gnomAD v4.1: 1 of 1,614,134 alleles (0.000062%); no homozygotes.

Submissions (2):

Labcorp Genetics (formerly Invitae), Labcorp
Classification: Uncertain significance for Brugada syndrome 4. Last evaluated: 2025-04-23. Review status: criteria provided, single submitter. Criteria: Invitae Variant Classification Sherloc (09022015). Collection method: clinical testing. Allele origin: germline.
Comment: This sequence change replaces aspartic acid, which is acidic and polar, with tyrosine, which is neutral and polar, at codon 78 of the CACNB2 protein (p.Asp78Tyr). This variant is not present in population databases (gnomAD no frequency). This variant has not been reported in the literature in individuals affected with CACNB2-related conditions. ClinVar contains an entry for this variant (Variation ID: 518827). Invitae Evidence Modeling of protein sequence and biophysical properties (such as structural, functional, and spatial information, amino acid conservation, physicochemical variation, residue mobility, and thermodynamic stability) indicates that this missense variant is not expected to disrupt CACNB2 protein function with a negative predictive value of 80%. In summary, the available evidence is currently insufficient to determine the role of this variant in disease. Therefore, it has been classified as a Variant of Uncertain Significance.

Ambry Genetics
Classification: Uncertain significance for Cardiovascular phenotype. Last evaluated: 2024-10-27. Review status: criteria provided, single submitter. Criteria: Ambry Variant Classification Scheme 2023. Collection method: clinical testing. Allele origin: germline.
Comment: The p.D78Y variant (also known as c.232G>T), located in coding exon 3 of the CACNB2 gene, results from a G to T substitution at nucleotide position 232. The aspartic acid at codon 78 is replaced by tyrosine, an amino acid with highly dissimilar properties. This amino acid position is well conserved in available vertebrate species. In addition, this alteration is predicted to be deleterious by in silico analysis. Since supporting evidence is limited at this time, the clinical significance of this alteration remains unclear.